The following is an entry in ClinVar:

ClinVar aggregate classification (germline): Pathogenic (1 of 4 stars; one submission).

Conditions:
Cardiovascular phenotype. Identifiers: MedGen CN230736.
Hereditary cancer-predisposing syndrome. Also called: Neoplastic Syndromes, Hereditary; Tumor predisposition; Hereditary neoplastic syndrome; Hereditary Cancer Syndrome. Identifiers: Orphanet 140162, MedGen C0027672, MeSH D009386, MONDO:0015356.

Submission:

Ambry Genetics
Classification: Pathogenic for Cardiovascular phenotype; Hereditary cancer-predisposing syndrome. Last evaluated: 2025-05-22. Review status: criteria provided, single submitter. Criteria: Ambry Variant Classification Scheme 2023. Collection method: clinical testing. Allele origin: germline.
Comment: The c.1524_1527dupTTGT pathogenic mutation, located in coding exon 13 of the NF1 gene, results from a duplication of TTGT at nucleotide position 1524, causing a translational frameshift with a predicted alternate stop codon (p.N510Lfs*2). This variant was reported in individual(s) with features consistent with Neurofibromatosis type 1 (Ambry internal data). This variant is considered to be rare based on population cohorts in the Genome Aggregation Database (gnomAD). This alteration is expected to result in loss of function by premature protein truncation or nonsense-mediated mRNA decay. As such, this alteration is interpreted as a disease-causing mutation.

NM_001042492.3(NF1):c.1524_1527dup (p.Asn510delinsLeuTer)

Gene: NF1 (neurofibromin 1; plus strand). Cytogenetic location: 17q11.2.
Variant type: Duplication.
Coding change: c.1524_1527dup on transcript NM_001042492.3 (MANE Select); coding-DNA positions 1524 to 1527, 4 bases duplicated (TTGT; older notation c.1524_1527dupTTGT).
Protein change: p.Asn510delinsLeuTer.
Molecular consequence: nonsense. On other transcripts: frameshift variant (1).
Genome position (GRCh38, 1-based): chr17:31,214,582-31,214,585, TTGT duplicated; duplicating any 4 consecutive bases within chr17:31,214,581-31,214,585 gives the same sequence; the c. name uses the placement nearest the transcript's 3' end. VCF-style (leftmost placement, unchanged base first): chr17-31214580-C-CTTTG. GRCh37 (hg19) VCF-style: chr17-29541598-C-CTTTG.
Other names: c.1524_1527dupTTGT (NM_000267.3); c.1524_1527dup, p.Asn510Leufs (NM_000267.4); c.1524_1527dup, p.Asn510delinsLeuTer (NM_001128147.3).
Identifiers: ClinVar variation 4032682 (VCV004032682.1).